The following is an entry in ClinVar:

NM_000268.4(NF2):c.1139C>T (p.Thr380Ile)

Gene: NF2 (NF2, moesin-ezrin-radixin like (MERLIN) tumor suppressor; plus strand). Cytogenetic location: 22q12.2.
Variant type: single nucleotide variant.
Coding change: c.1139C>T on transcript NM_000268.4 (MANE Select); coding-DNA position 1139, C replaced by T.
Protein change: p.Thr380Ile; replaces threonine 380 with isoleucine.
Molecular consequence: missense variant. On other transcripts: intron variant (1).
Genome position (GRCh38, 1-based): chr22:29,673,285, C>T. VCF-style: chr22-29673285-C-T. GRCh37 (hg19) VCF-style: chr22-30069274-C-T.
Other names: c.1025C>T, p.Thr342Ile (NM_001407053.1, NM_001407056.1); c.1016C>T, p.Thr339Ile (NM_001407054.1, NM_001407058.1, NM_181829.3); c.1013C>T, p.Thr338Ile (NM_001407055.1, NM_181828.3); c.1004C>T, p.Thr335Ile (NM_001407057.1, NM_001407059.1); c.1139C>T, p.Thr380Ile (NM_001407060.1, NM_001407066.1, NM_016418.5 and 2 more transcripts); c.881C>T, p.Thr294Ile (NM_001407062.1); c.890C>T, p.Thr297Ile (NM_001407063.1, NM_001407064.1, NM_181830.3 and 1 more transcripts); c.605C>T, p.Thr202Ile (NM_001407065.1); and 2 more; short protein forms T297I, T303I, T339I, T335I, T380I, T294I, T338I, T342I.
Identifiers: ClinVar variation 4661609 (VCV004661609.1).

ClinVar aggregate classification (germline): Uncertain significance (1 of 4 stars; one submission).

Conditions:
Hereditary cancer-predisposing syndrome. Also called: Neoplastic Syndromes, Hereditary; Tumor predisposition; Hereditary Cancer Syndrome; Hereditary neoplastic syndrome. Identifiers: Orphanet 140162, MedGen C0027672, MeSH D009386, MONDO:0015356.

Submission:

Ambry Genetics
Classification: Uncertain significance for Hereditary cancer-predisposing syndrome. Last evaluated: 2025-11-23. Review status: criteria provided, single submitter. Criteria: Ambry Variant Classification Scheme 2023. Collection method: clinical testing. Allele origin: germline.
Comment: The p.T380I variant (also known as c.1139C>T), located in coding exon 12 of the NF2 gene, results from a C to T substitution at nucleotide position 1139. The threonine at codon 380 is replaced by isoleucine, an amino acid with similar properties. This amino acid position is conserved. In addition, the in silico prediction for this alteration is inconclusive. Based on the available evidence, the clinical significance of this variant remains unclear.